The following is an entry in ClinVar:

ClinVar aggregate classification (germline): Uncertain significance. Review status: criteria provided, multiple submitters, no conflicts (2 of 4 stars). 2 submissions from 2 submitters: Uncertain significance (2). Last evaluated 2025-08-14.

Conditions:
Primary ciliary dyskinesia 19. Also called: CILIARY DYSKINESIA, PRIMARY, 19, WITH OR WITHOUT SITUS INVERSUS. Identifiers: Orphanet 244, MedGen C3543826, MONDO:0013979, OMIM 614935.

Allele frequency attached by ClinVar (database versions not stated): TOPMed 0.00002; gnomAD 0.00005; ExAC 0.00013.
gnomAD v4.1: 92 of 1,608,932 alleles (0.0057%); highest among the groups gnomAD compares: South Asian, 0.093%; no homozygotes.

Submissions (2):

Labcorp Genetics (formerly Invitae), Labcorp
Classification: Uncertain significance for Primary ciliary dyskinesia 19. Last evaluated: 2025-08-14. Review status: criteria provided, single submitter. Criteria: Invitae Variant Classification Sherloc (09022015). Collection method: clinical testing. Allele origin: germline.
Comment: This sequence change replaces aspartic acid, which is acidic and polar, with valine, which is neutral and non-polar, at codon 225 of the LRRC6 protein (p.Asp225Val). This variant is present in population databases (rs751328405, gnomAD 0.09%). This variant has not been reported in the literature in individuals affected with LRRC6-related conditions. ClinVar contains an entry for this variant (Variation ID: 2575826). Invitae Evidence Modeling of protein sequence and biophysical properties (such as structural, functional, and spatial information, amino acid conservation, physicochemical variation, residue mobility, and thermodynamic stability) indicates that this missense variant is not expected to disrupt LRRC6 protein function with a negative predictive value of 80%. In summary, the available evidence is currently insufficient to determine the role of this variant in disease. Therefore, it has been classified as a Variant of Uncertain Significance.

GeneDx
Classification: Uncertain significance. Last evaluated: 2023-02-14. Review status: criteria provided, single submitter. Criteria: GeneDx Variant Classification Process June 2021. Collection method: clinical testing. Allele origin: germline. Affected: yes.
Comment: In silico analysis supports that this missense variant does not alter protein structure/function; Has not been previously published as pathogenic or benign to our knowledge

NM_012472.6(DNAAF11):c.674A>T (p.Asp225Val)

Gene: DNAAF11 (dynein axonemal assembly factor 11; minus strand). Cytogenetic location: 8q24.22.
Variant type: single nucleotide variant.
Coding change: c.674A>T on transcript NM_012472.6 (MANE Select); coding-DNA position 674, A replaced by T.
Protein change: p.Asp225Val; replaces aspartic acid 225 with valine.
Molecular consequence: missense variant. On other transcripts: non-coding transcript variant (10).
Genome position (GRCh38, 1-based): chr8:132,625,434, T>A on the plus strand (A>T on the coding strand, the complement: DNAAF11 is on the minus strand). VCF-style: chr8-132625434-T-A. GRCh37 (hg19) VCF-style: chr8-133637680-T-A.
Other names: c.674A>T, p.Asp225Val (NM_001321961.2); c.428A>T, p.Asp143Val (NM_001321962.2); c.314A>T, p.Asp105Val (NM_001321963.2, NM_001321964.2, NM_001321965.2 and 1 more transcripts); short protein forms D105V, D143V, D225V.
Identifiers: ClinVar variation 2575826 (VCV002575826.3), dbSNP rs751328405, ClinGen allele CA4881321.